The following is an entry in ClinVar:

ClinVar aggregate classification (germline): Conflicting classifications of pathogenicity. Review status: criteria provided, conflicting classifications (1 of 4 stars). 2 submissions from 2 submitters: Likely pathogenic (1); Uncertain significance (1). Last evaluated 2026-03-11.

Conditions:
Fanconi anemia complementation group O. Also called: RAD51C-Related Fanconi Anemia. Identifiers: Orphanet 84, MedGen C3150653, MONDO:0013248, OMIM 613390.
Breast-ovarian cancer, familial, susceptibility to, 3. Also called: RAD51C-Related Breast/Ovarian Cancer. Identifiers: Orphanet 145, MedGen C3150659, MONDO:0013253, OMIM 613399.

Submissions (2):

Myriad Genetics, Inc.
Classification: Likely pathogenic for Breast-ovarian cancer, familial, susceptibility to, 3. Last evaluated: 2026-03-11. Review status: criteria provided, single submitter. Criteria: Myriad Autosomal Dominant, Autosomal Recessive and X-Linked Classification Criteria (2023). Collection method: clinical testing. Allele origin: unknown.
Comment: This variant is considered likely pathogenic. This variant is expected to disrupt protein structure [Myriad internal data]. Functional studies indicate this variant impacts protein function [PMID: 39299233].

Labcorp Genetics (formerly Invitae), Labcorp
Classification: Uncertain significance for Fanconi anemia complementation group O. Last evaluated: 2017-11-16. Review status: criteria provided, single submitter. Criteria: Invitae Variant Classification Sherloc (09022015). Collection method: clinical testing. Allele origin: germline.
Comment: In summary, the available evidence is currently insufficient to determine the role of this variant in disease. Therefore, it has been classified as a Variant of Uncertain Significance. Algorithms developed to predict the effect of missense changes on protein structure and function (SIFT, PolyPhen-2, Align-GVGD) all suggest that this variant is likely to be disruptive, but these predictions have not been confirmed by published functional studies and their clinical significance is uncertain. This variant has not been reported in the literature in individuals with RAD51C-related disease. This variant is not present in population databases (ExAC no frequency). This sequence change replaces valine with aspartic acid at codon 236 of the RAD51C protein (p.Val236Asp). The valine residue is highly conserved and there is a large physicochemical difference between valine and aspartic acid.

Literature cited by the submitters: PubMed 39299233 (cited by Myriad Genetics, Inc.).

NM_058216.3(RAD51C):c.707T>A (p.Val236Asp)

Gene: RAD51C (RAD51 paralog C; plus strand). Cytogenetic location: 17q22.
Variant type: single nucleotide variant.
Coding change: c.707T>A on transcript NM_058216.3 (MANE Select); coding-DNA position 707, T replaced by A.
Protein change: p.Val236Asp; replaces valine 236 with aspartic acid.
Molecular consequence: missense variant. On other transcripts: non-coding transcript variant (1).
Genome position (GRCh38, 1-based): chr17:58,709,860, T>A. VCF-style: chr17-58709860-T-A. GRCh37 (hg19) VCF-style: chr17-56787221-T-A.
Other names: short protein forms V236D.
Identifiers: ClinVar variation 538760 (VCV000538760.9), dbSNP rs1555599091, ClinGen allele CA400353079.